The following is an entry in ClinVar:

NM_172095.4(CATSPER2):c.1154C>T (p.Ser385Leu)

Gene: CATSPER2 (cation channel sperm associated 2; minus strand). Cytogenetic location: 15q15.3.
Variant type: single nucleotide variant.
Coding change: c.1154C>T on transcript NM_172095.4 (MANE Select); coding-DNA position 1154, C replaced by T.
Protein change: p.Ser385Leu; replaces serine 385 with leucine.
Molecular consequence: missense variant. On other transcripts: non-coding transcript variant (2).
Genome position (GRCh38, 1-based): chr15:43,635,384, G>A on the plus strand (C>T on the coding strand, the complement: CATSPER2 is on the minus strand). VCF-style: chr15-43635384-G-A. GRCh37 (hg19) VCF-style: chr15-43927582-G-A.
Other names: c.1154C>T, p.Ser385Leu (NM_001282309.3); c.1172C>T, p.Ser391Leu (NM_001282310.2); short protein forms S391L, S385L.
Identifiers: ClinVar variation 4980907 (VCV004980907.1).

ClinVar aggregate classification (germline): Uncertain significance (1 of 4 stars; one submission).

Conditions:
CATSPER2-related condition.

gnomAD v4.1: 842 of 1,609,476 alleles (0.052%); highest among the groups gnomAD compares: Admixed American, 0.18%; 8 homozygotes.

Submission:

PreventionGenetics, part of Exact Sciences
Classification: Uncertain significance for CATSPER2-related condition. Last evaluated: 2026-02-13. Review status: criteria provided, single submitter. Criteria: ACMG Guidelines, 2015. Collection method: clinical testing. Allele origin: germline.
Comment: The CATSPER2 c.1154C>T variant is predicted to result in the amino acid substitution p.Ser385Leu. To our knowledge, this variant has not been reported in the literature. This variant is reported in 0.23% of alleles in individuals of Ashkenazi Jewish descent in gnomAD. Although we suspect that this variant may be benign, at this time, the clinical significance of this variant is uncertain due to the absence of conclusive functional and genetic evidence.